The following is an entry in ClinVar:

ClinVar aggregate classification (germline): Uncertain significance (1 of 4 stars; one submission).

Conditions:
Spinocerebellar ataxia type 38. Identifiers: Orphanet 423296, MedGen C4518337, MONDO:0014417, OMIM 615957.

Submission:

Dasa
Classification: Uncertain significance for Spinocerebellar ataxia type 38. Last evaluated: 2025-11-12. Review status: criteria provided, single submitter. Criteria: DASA Assertion Criteria. Collection method: clinical testing. Allele origin: germline.
Comment: NM_021814.5(ELOVL5):c.44T>C (p.Leu15Ser) is a missense variant that results in the substitution of leucine with serine. This variant is absent from population databases. The currently available literature and clinical evidence are not sufficient to establish a definitive association between this variant and the reported condition. Therefore, this variant is classified as a variant of uncertain significance.

NM_021814.5(ELOVL5):c.44T>C (p.Leu15Ser)

Gene: ELOVL5 (ELOVL fatty acid elongase 5; minus strand). Cytogenetic location: 6p12.1.
Variant type: single nucleotide variant.
Coding change: c.44T>C on transcript NM_021814.5 (MANE Select); coding-DNA position 44, T replaced by C.
Protein change: p.Leu15Ser; replaces leucine 15 with serine.
Molecular consequence: missense variant.
Genome position (GRCh38, 1-based): chr6:53,295,656, A>G on the plus strand (T>C on the coding strand, the complement: ELOVL5 is on the minus strand). VCF-style: chr6-53295656-A-G. GRCh37 (hg19) VCF-style: chr6-53160454-A-G.
Other names: c.44T>C, p.Leu15Ser (NM_001242828.2, NM_001242830.2, NM_001242831.2 and 1 more transcripts); short protein forms L15S.
Identifiers: ClinVar variation 4881169 (VCV004881169.2).